The following is an entry in ClinVar:

ClinVar aggregate classification (germline): Conflicting classifications of pathogenicity. Review status: criteria provided, conflicting classifications (1 of 4 stars). 3 submissions from 3 submitters: Uncertain significance (2); Likely benign (1). Last evaluated 2025-12-17.

Conditions:
Tietz syndrome (TADS). Also called: ALBINISM-DEAFNESS OF TIETZ; HYPOPIGMENTATION/DEAFNESS OF TIETZ; TIETZ ALBINISM-DEAFNESS SYNDROME. Identifiers: Orphanet 42665, MedGen C0391816, MONDO:0007077, OMIM 103500.
Waardenburg syndrome type 2A (WS2A). Also called: WAARDENBURG SYNDROME WITHOUT DYSTOPIA CANTHORUM. Identifiers: Orphanet 3440, MedGen C1860339, MONDO:0008671, OMIM 193510.
Melanoma, cutaneous malignant, susceptibility to, 8. Also called: Cutaneous malignant melanoma 8; MELANOMA AND RENAL CELL CARCINOMA, SUSCEPTIBILITY TO. Identifiers: Orphanet 293822, MedGen C3152204, MONDO:0013759, OMIM 614456.
Hereditary cancer-predisposing syndrome. Also called: Hereditary neoplastic syndrome; Tumor predisposition; Neoplastic Syndromes, Hereditary; Hereditary Cancer Syndrome. Identifiers: Orphanet 140162, MedGen C0027672, MeSH D009386, MONDO:0015356.

Allele frequency attached by ClinVar (database versions not stated): gnomAD exomes below 0.00001; ExAC 0.00001; TOPMed 0.00001.
gnomAD v4.1: 2 of 1,614,092 alleles (0.00012%); highest among the groups gnomAD compares: Admixed American, 0.0033%; no homozygotes.

Submissions (3):

Labcorp Genetics (formerly Invitae), Labcorp
Classification: Uncertain significance for Melanoma, cutaneous malignant, susceptibility to, 8; Waardenburg syndrome type 2A; Tietz syndrome. Last evaluated: 2025-12-17. Review status: criteria provided, single submitter. Criteria: Invitae Variant Classification Sherloc (09022015). Collection method: clinical testing. Allele origin: germline.
Comment: This sequence change replaces phenylalanine, which is neutral and non-polar, with serine, which is neutral and polar, at codon 350 of the MITF protein (p.Phe350Ser). This variant is present in population databases (rs764322456, gnomAD 0.006%). This variant has not been reported in the literature in individuals affected with MITF-related conditions. ClinVar contains an entry for this variant (Variation ID: 2937296). Invitae Evidence Modeling of protein sequence and biophysical properties (such as structural, functional, and spatial information, amino acid conservation, physicochemical variation, residue mobility, and thermodynamic stability) indicates that this missense variant is not expected to disrupt MITF protein function with a negative predictive value of 80%. In summary, the available evidence is currently insufficient to determine the role of this variant in disease. Therefore, it has been classified as a Variant of Uncertain Significance.

Ambry Genetics
Classification: Likely benign for Hereditary cancer-predisposing syndrome. Last evaluated: 2025-08-26. Review status: criteria provided, single submitter. Criteria: Ambry Variant Classification Scheme 2023. Collection method: clinical testing. Allele origin: germline.

Blueprint Genetics
Classification: Uncertain significance. Last evaluated: 2023-10-06. Review status: criteria provided, single submitter. Criteria: ACMG Guidelines, 2015. Collection method: clinical testing. Allele origin: germline.

NM_001354604.2(MITF):c.1370T>C (p.Phe457Ser)

Gene: MITF (melanocyte inducing transcription factor; plus strand). Cytogenetic location: 3p13.
Variant type: single nucleotide variant.
Coding change: c.1370T>C on transcript NM_001354604.2 (MANE Select); coding-DNA position 1370, T replaced by C.
Protein change: p.Phe457Ser; replaces phenylalanine 457 with serine.
Molecular consequence: missense variant.
Genome position (GRCh38, 1-based): chr3:69,965,037, T>C. VCF-style: chr3-69965037-T-C. GRCh37 (hg19) VCF-style: chr3-70014188-T-C.
Other names: c.1049T>C, p.Phe350Ser (NM_000248.4); c.1196T>C, p.Phe399Ser (NM_001184967.2, NM_001354608.2); c.1367T>C, p.Phe456Ser (NM_001354605.2); c.1349T>C, p.Phe450Ser (NM_001354606.2, NM_006722.3); c.1301T>C, p.Phe434Ser (NM_001354607.2); c.1031T>C, p.Phe344Ser (NM_198158.3); c.1352T>C, p.Phe451Ser (NM_198159.3); c.1304T>C, p.Phe435Ser (NM_198177.3); and 1 more; short protein forms F399S, F434S, F288S, F344S, F435S, F350S, F457S, F450S.
Identifiers: ClinVar variation 2937296 (VCV002937296.5), dbSNP rs764322456, ClinGen allele CA2490649.